The following is an entry in ClinVar:

NM_022916.6(VPS33A):c.282T>C (p.Ala94=)

Gene: VPS33A (VPS33A core subunit of CORVET and HOPS complexes; minus strand). Cytogenetic location: 12q24.31.
Variant type: single nucleotide variant.
Coding change: c.282T>C on transcript NM_022916.6 (MANE Select); coding-DNA position 282, T replaced by C.
Protein change: p.Ala94=; no amino-acid change (alanine 94 retained).
Molecular consequence: synonymous variant.
Genome position (GRCh38, 1-based): chr12:122,263,586, A>G on the plus strand (T>C on the coding strand, the complement: VPS33A is on the minus strand). VCF-style: chr12-122263586-A-G. GRCh37 (hg19) VCF-style: chr12-122748133-A-G.
Other names: c.249T>C, p.Ala83= (NM_001351018.2); c.234T>C, p.Ala78= (NM_001351019.2); c.282T>C, p.Ala94= (NM_001351020.2, NM_001351021.2).
Identifiers: ClinVar variation 778667 (VCV000778667.13), dbSNP rs76521771, ClinGen allele CA6844652.
Genomic context (GRCh38, chr12:122,263,586, plus strand): 5'-TTATAAGAACCAAACTCTTTTGGATCAAACACAAGCTCTGAGATACCTGAGCACGTTTTC[A>G]GCGATTATATCCATCAACTCTAGCCTGGGTCTGACAAAAAAAATTATATTCTTCACATCA-3'
Protein context (NP_075067.2, residues 84-104): RPRLELMDII[Ala94=]ENVLSEDRRG

ClinVar aggregate classification (germline): Benign/Likely benign. Review status: criteria provided, multiple submitters, no conflicts (2 of 4 stars). 5 submissions from 5 submitters: Benign (2); Likely benign (3). Last evaluated 2026-01-15.

Conditions:
Mucopolysaccharidosis-plus syndrome. Also called: Mucopolysaccharidosis-like syndrome with congenital heart defects and hematopoietic disorders. Identifiers: Orphanet 505248, MedGen C4310627, MONDO:0015012, OMIM 617303.

Allele frequency attached by ClinVar (database versions not stated): ESP Exome Variant Server 0.00554; 1000 Genomes Project 0.00639; 1000 Genomes Project 30x 0.00718; gnomAD exomes 0.00051 and 0.00122; ExAC 0.00150; gnomAD 0.00476 and 0.00502; TOPMed 0.00492.
gnomAD v4.1: 1,517 of 1,606,898 alleles (0.094%); highest among the groups gnomAD compares: African/African-American, 1.7%; 17 homozygotes.

Submissions (5):

Labcorp Genetics (formerly Invitae), Labcorp
Classification: Benign. Last evaluated: 2026-01-15. Review status: criteria provided, single submitter. Criteria: Invitae Variant Classification Sherloc (09022015). Collection method: clinical testing. Allele origin: germline.

Blueprint Genetics
Classification: Likely benign. Last evaluated: 2024-10-03. Review status: criteria provided, single submitter. Criteria: ACMG Guidelines, 2015. Collection method: clinical testing. Allele origin: germline.

Fulgent Genetics
Classification: Likely benign for Mucopolysaccharidosis-plus syndrome. Last evaluated: 2022-02-15. Review status: criteria provided, single submitter. Criteria: ACMG Guidelines, 2015. Collection method: clinical testing. Allele origin: unknown.

GeneDx
Classification: Likely benign. Last evaluated: 2019-04-20. Review status: criteria provided, single submitter. Criteria: GeneDx Variant Classification Process June 2021. Collection method: clinical testing. Allele origin: germline. Affected: yes.
Comment: See Variant Classification Assertion Criteria.

Breakthrough Genomics
Classification: Benign. Review status: criteria provided, single submitter. Criteria: ACMG Guidelines, 2015. Collection method: not provided. Allele origin: germline. Inheritance: Autosomal recessive inheritance. Affected: yes.